The following is an entry in ClinVar:

NM_052947.4(ALPK2):c.6478G>T (p.Ala2160Ser)

Gene: ALPK2 (alpha kinase 2; minus strand). Cytogenetic location: 18q21.31.
Variant type: single nucleotide variant.
Coding change: c.6478G>T on transcript NM_052947.4 (MANE Select); coding-DNA position 6478, G replaced by T.
Protein change: p.Ala2160Ser; replaces alanine 2160 with serine.
Molecular consequence: missense variant.
Genome position (GRCh38, 1-based): chr18:58,481,858, C>A on the plus strand (G>T on the coding strand, the complement: ALPK2 is on the minus strand). VCF-style: chr18-58481858-C-A. GRCh37 (hg19) VCF-style: chr18-56149090-C-A.
Other names: short protein forms A2160S.
Identifiers: ClinVar variation 3531491 (VCV003531491.1).

ClinVar aggregate classification (germline): Uncertain significance (1 of 4 stars; one submission).

Submission:

Ambry Genetics
Classification: Uncertain significance. Last evaluated: 2024-09-12. Review status: criteria provided, single submitter. Criteria: Ambry Variant Classification Scheme 2023. Collection method: clinical testing. Allele origin: germline.
Comment: The p.A2160S variant (also known as c.6478G>T), located in coding exon 12 of the ALPK2 gene, results from a G to T substitution at nucleotide position 6478. The alanine at codon 2160 is replaced by serine, an amino acid with similar properties. This amino acid position is conserved. In addition, this alteration is predicted to be tolerated by in silico analysis. Based on the available evidence, the clinical significance of this variant remains unclear.